The following is an entry in ClinVar:

NM_017644.3(KLHL24):c.3G>C (p.Met1Ile)

Gene: KLHL24 (kelch like family member 24; plus strand). Cytogenetic location: 3q27.1.
Variant type: single nucleotide variant.
Coding change: c.3G>C on transcript NM_017644.3 (MANE Select); coding-DNA position 3, G replaced by C.
Protein change: p.Met1Ile; changes the start codon (methionine 1).
Molecular consequence: missense variant, initiator codon variant. On other transcripts: 5 prime UTR variant (2), non-coding transcript variant (2).
Genome position (GRCh38, 1-based): chr3:183,650,359, G>C. VCF-style: chr3-183650359-G-C. GRCh37 (hg19) VCF-style: chr3-183368147-G-C.
Other names: c.3G>C, p.Met1Ile (NM_001349415.1, NM_001349416.1, NM_001349417.1 and 11 more transcripts); c.-964G>C (NM_001349428.1, NM_001349429.1); short protein forms M1I.
Identifiers: ClinVar variation 931095 (VCV000931095.4), dbSNP rs886037957, ClinGen allele CA355349562.

ClinVar aggregate classification (germline): Pathogenic (1 of 4 stars; one submission).

Conditions:
Epidermolysis bullosa simplex 6, generalized, with scarring and hair loss (EBS6). Also called: Epidermolysis bullosa simplex 6, generalized intermediate, with or without cardiomyopathy; EPIDERMOLYSIS BULLOSA SIMPLEX 6, GENERALIZED INTERMEDIATE, WITH SCARRING AND HAIR LOSS, WITH OR WITHOUT DILATED CARDIOMYOPATHY; Epidermolysis bullosa simplex, generalized, with scarring and hair loss. Identifiers: Orphanet 508529, MedGen C4310631, MONDO:0015006, OMIM 617294.

Submission:

Centre for Mendelian Genomics, University Medical Centre Ljubljana
Classification: Pathogenic for Epidermolysis bullosa simplex 6, generalized, with scarring and hair loss. Last evaluated: 2019-07-01. Review status: criteria provided, single submitter. Criteria: ACMG Guidelines, 2015. Collection method: clinical testing. Allele origin: unknown. Affected: yes.
Comment: This variant was classified as: Pathogenic. The following ACMG criteria were applied in classifying this variant: PS1,PM2,PM4,PM6.